The following is an entry in ClinVar:

NM_176787.5(PIGN):c.2482G>T (p.Gly828Ter)

Gene: PIGN (phosphatidylinositol glycan anchor biosynthesis class N; minus strand). Cytogenetic location: 18q21.33.
Variant type: single nucleotide variant.
Coding change: c.2482G>T on transcript NM_176787.5 (MANE Select); coding-DNA position 2482, G replaced by T.
Protein change: p.Gly828Ter; replaces glycine 828 with a stop codon.
Molecular consequence: nonsense.
Genome position (GRCh38, 1-based): chr18:62,084,551, C>A on the plus strand (G>T on the coding strand, the complement: PIGN is on the minus strand). VCF-style: chr18-62084551-C-A. GRCh37 (hg19) VCF-style: chr18-59751784-C-A.
Other names: c.2482G>T, p.Gly828Ter (NM_012327.6); short protein forms G828*.
Identifiers: ClinVar variation 2019913 (VCV002019913.4), dbSNP rs2512420710, ClinGen allele CA402601234.

ClinVar aggregate classification (germline): Pathogenic (1 of 4 stars; one submission).

Conditions:
Multiple congenital anomalies-hypotonia-seizures syndrome 1 (MCAHS1). Also called: PIGN-CDG; Congenital disorder of glycosylation due to PIGN deficiency; GLYCOSYLPHOSPHATIDYLINOSITOL BIOSYNTHESIS DEFECT 3. Identifiers: Orphanet 280633, MedGen C3279775, MONDO:0013563, OMIM 614080.

Submission:

Labcorp Genetics (formerly Invitae), Labcorp
Classification: Pathogenic for Multiple congenital anomalies-hypotonia-seizures syndrome 1. Last evaluated: 2022-07-27. Review status: criteria provided, single submitter. Criteria: Invitae Variant Classification Sherloc (09022015). Collection method: clinical testing. Allele origin: germline.
Comment: For these reasons, this variant has been classified as Pathogenic. Algorithms developed to predict the effect of sequence changes on RNA splicing suggest that this variant may disrupt the consensus splice site. This variant has not been reported in the literature in individuals affected with PIGN-related conditions. This variant is not present in population databases (gnomAD no frequency). This sequence change creates a premature translational stop signal (p.Gly828*) in the PIGN gene. It is expected to result in an absent or disrupted protein product. Loss-of-function variants in PIGN are known to be pathogenic (PMID: 24253414, 27038415).

Literature cited by the submitters: PubMed 24253414; PubMed 27038415.